The following is an entry in ClinVar:

NM_001199267.2(DGKZ):c.162-875G>A

Gene: DGKZ (diacylglycerol kinase zeta; plus strand). Cytogenetic location: 11p11.2.
Variant type: single nucleotide variant.
Coding change: c.162-875G>A on transcript NM_001199267.2 (MANE Select); 875 bases into the intron before coding-DNA position 162, G replaced by A.
Molecular consequence: intron variant. On other transcripts: missense variant (1).
Genome position (GRCh38, 1-based): chr11:46,366,416, G>A. VCF-style: chr11-46366416-G-A. GRCh37 (hg19) VCF-style: chr11-46387966-G-A.
Other names: c.160G>A, p.Ala54Thr (NM_001105540.2); c.213-875G>A (NM_201532.3); c.177-875G>A (NM_201533.3); c.162-875G>A (NM_001199266.2, NM_003646.4, NM_001199268.2); c.160G>A (NM_001105540.1); short protein forms A54T.
Identifiers: ClinVar variation 2179664 (VCV002179664.5), dbSNP rs373419861, ClinGen allele CA5962095.

ClinVar aggregate classification (germline): Uncertain significance. Review status: criteria provided, multiple submitters, no conflicts (2 of 4 stars). 2 submissions from 2 submitters: Uncertain significance (2). Last evaluated 2025-02-17.

Allele frequency attached by ClinVar (database versions not stated): gnomAD 0.00011; TOPMed 0.00015; ESP Exome Variant Server 0.00017; gnomAD exomes 0.00020.

Submissions (2):

Labcorp Genetics (formerly Invitae), Labcorp
Classification: Uncertain significance. Last evaluated: 2025-02-17. Review status: criteria provided, single submitter. Criteria: Invitae Variant Classification Sherloc (09022015). Collection method: clinical testing. Allele origin: germline.
Comment: This sequence change replaces alanine, which is neutral and non-polar, with threonine, which is neutral and polar, at codon 54 of the DGKZ protein (p.Ala54Thr). This variant is present in population databases (rs373419861, gnomAD 0.01%). This variant has not been reported in the literature in individuals affected with DGKZ-related conditions. ClinVar contains an entry for this variant (Variation ID: 2179664). An algorithm developed to predict the effect of missense changes on protein structure and function (PolyPhen-2) suggests that this variant is likely to be tolerated. In summary, the available evidence is currently insufficient to determine the role of this variant in disease. Therefore, it has been classified as a Variant of Uncertain Significance.

Ambry Genetics
Classification: Uncertain significance. Last evaluated: 2021-10-13. Review status: criteria provided, single submitter. Criteria: Ambry Variant Classification Scheme 2023. Collection method: clinical testing. Allele origin: germline.